The following is an entry in ClinVar:

NM_001792.5(CDH2):c.937C>T (p.Pro313Ser)

Gene: CDH2 (cadherin 2; minus strand). Cytogenetic location: 18q12.1.
Variant type: single nucleotide variant.
Coding change: c.937C>T on transcript NM_001792.5 (MANE Select); coding-DNA position 937, C replaced by T.
Protein change: p.Pro313Ser; replaces proline 313 with serine.
Molecular consequence: missense variant.
Genome position (GRCh38, 1-based): chr18:28,003,080, G>A on the plus strand (C>T on the coding strand, the complement: CDH2 is on the minus strand). VCF-style: chr18-28003080-G-A. GRCh37 (hg19) VCF-style: chr18-25583044-G-A.
Other names: c.844C>T, p.Pro282Ser (NM_001308176.2); short protein forms P282S, P313S.
Identifiers: ClinVar variation 4685372 (VCV004685372.1).

ClinVar aggregate classification (germline): Uncertain significance (1 of 4 stars; one submission).

Submission:

GeneDx
Classification: Uncertain significance. Last evaluated: 2025-07-10. Review status: criteria provided, single submitter. Criteria: GeneDx Variant Classification Process June 2021. Collection method: clinical testing. Allele origin: germline. Affected: yes.
Comment: Not observed at significant frequency in large population cohorts (gnomAD); In silico analysis supports that this missense variant has a deleterious effect on protein structure/function; Has not been previously published as pathogenic or benign to our knowledge